The following is an entry in ClinVar:

ClinVar aggregate classification (germline): Uncertain significance. Review status: criteria provided, multiple submitters, no conflicts (2 of 4 stars). 3 submissions from 3 submitters: Uncertain significance (3). Last evaluated 2025-10-02.

Conditions:
Inborn genetic diseases. Identifiers: MedGen C0950123, MeSH D030342.

Allele frequency attached by ClinVar (database versions not stated): gnomAD 0.00001; gnomAD exomes 0.00002; TOPMed 0.00002.
gnomAD v4.1: 19 of 1,182,144 alleles (0.0016%); highest among the groups gnomAD compares: Non-Finnish European, 0.002%; no homozygotes.

Submissions (3):

Labcorp Genetics (formerly Invitae), Labcorp
Classification: Uncertain significance. Last evaluated: 2025-10-02. Review status: criteria provided, single submitter. Criteria: Invitae Variant Classification Sherloc (09022015). Collection method: clinical testing. Allele origin: germline.
Comment: This sequence change replaces alanine, which is neutral and non-polar, with valine, which is neutral and non-polar, at codon 11 of the SLC25A1 protein (p.Ala11Val). The frequency data for this variant in the population databases is considered unreliable, as metrics indicate poor data quality at this position in the gnomAD database. This variant has not been reported in the literature in individuals affected with SLC25A1-related conditions. ClinVar contains an entry for this variant (Variation ID: 1389734). Experimental studies and prediction algorithms are not available or were not evaluated, and the functional significance of this variant is currently unknown. In summary, the available evidence is currently insufficient to determine the role of this variant in disease. Therefore, it has been classified as a Variant of Uncertain Significance.

Blueprint Genetics
Classification: Uncertain significance. Last evaluated: 2024-08-09. Review status: criteria provided, single submitter. Criteria: ACMG Guidelines, 2015. Collection method: clinical testing. Allele origin: germline.

Ambry Genetics
Classification: Uncertain significance for Inborn genetic diseases. Last evaluated: 2021-04-28. Review status: criteria provided, single submitter. Criteria: Ambry Variant Classification Scheme 2023. Collection method: clinical testing. Allele origin: germline.
Comment: The c.32C>T (p.A11V) alteration is located in exon 1 (coding exon 1) of the SLC25A1 gene. This alteration results from a C to T substitution at nucleotide position 32, causing the alanine (A) at amino acid position 11 to be replaced by a valine (V). The p.A11V alteration is predicted to be tolerated by in silico analysis. Based on insufficient or conflicting evidence, the clinical significance of this alteration remains unclear.

NM_005984.5(SLC25A1):c.32C>T (p.Ala11Val)

Gene: SLC25A1 (solute carrier family 25 member 1; minus strand). Cytogenetic location: 22q11.21.
Variant type: single nucleotide variant.
Coding change: c.32C>T on transcript NM_005984.5 (MANE Select); coding-DNA position 32, C replaced by T.
Protein change: p.Ala11Val; replaces alanine 11 with valine.
Molecular consequence: missense variant. On other transcripts: non-coding transcript variant (1).
Genome position (GRCh38, 1-based): chr22:19,178,642, G>A on the plus strand (C>T on the coding strand, the complement: SLC25A1 is on the minus strand). VCF-style: chr22-19178642-G-A. GRCh37 (hg19) VCF-style: chr22-19166155-G-A.
Other names: c.32C>T (NM_005984.2); short protein forms A11V.
Identifiers: ClinVar variation 1389734 (VCV001389734.7), dbSNP rs1452233973, ClinGen allele CA410644496.
Genomic context (GRCh38, chr22:19,178,642, plus strand): 5'-GCCAGGATCGCCTTCCCCGGGTGCGTCAGCTTGGCCTTCCCGGACGCGGGCGCGGCGGCC[G>A]CCAGAGCGCGCGGGGCGCGGGGCGCGGGCATGGCGGGCGGGAGGCGGGGCGCCCTGTGGC-3'
Protein context (NP_005975.1, residues 1-21): MPAPRAPRAL[Ala11Val]AAAPASGKAK